The following is an entry in ClinVar:

ClinVar aggregate classification (germline): Likely benign. Review status: criteria provided, single submitter (1 of 4 stars). 2 submissions from 2 submitters: Likely benign (1). 1 of the submissions does not count toward it. Last evaluated 2019-12-31.

Conditions:
MYT1-related disorder. Also called: MYT1-related condition.

Submissions (2):

Labcorp Genetics (formerly Invitae), Labcorp
Classification: Likely benign. Last evaluated: 2019-12-31. Review status: criteria provided, single submitter. Criteria: Invitae Variant Classification Sherloc (09022015). Collection method: clinical testing. Allele origin: germline.

PreventionGenetics, part of Exact Sciences
Classification: Likely benign for MYT1-related condition. Last evaluated: 2019-03-01. Review status: no assertion criteria provided. Collection method: clinical testing. Allele origin: germline. Not counted in ClinVar's aggregate classification.
Comment: This variant is classified as likely benign based on ACMG/AMP sequence variant interpretation guidelines (Richards et al. 2015 PMID: 25741868, with internal and published modifications).

NM_004535.3(MYT1):c.891AGAGGA[2] (p.Glu305_Glu306del)

Gene: MYT1 (myelin transcription factor 1; plus strand). Cytogenetic location: 20q13.33.
Variant type: Microsatellite.
Coding change: c.891AGAGGA[2] on transcript NM_004535.3 (MANE Select); two copies in a row of the 6-base unit AGAGGA starting at c.891; the reference has three copies in a row; one copy, 6 bases deleted; also written c.903_908del.
Protein change: p.Glu305_Glu306del.
Molecular consequence: inframe deletion.
Genome position (GRCh38, 1-based): chr20:64,208,099-64,208,104, AGAGGA deleted; deleting any 6 consecutive bases within chr20:64,208,082-64,208,104 gives the same sequence; the position shown is the placement nearest the transcript's 3' end. VCF-style (leftmost placement, unchanged base first): chr20-64208081-GGAGGAA-G. GRCh37 (hg19) VCF-style: chr20-62839434-GGAGGAA-G.
Other names: c.903_908del (NM_004535.2); c.903_908del6 (NM_004535.2).
Identifiers: ClinVar variation 734219 (VCV000734219.6), dbSNP rs537698482, ClinGen allele CA9974722.
Genomic context (GRCh38, chr20:64,208,081, plus strand): 5'-AGAAGAGGAAGAGGAAGAGGAGGAGGAAGAGGAAGAGGAGGAGGAGGAAGAGGAAGAGGA[GGAGGAA>G]GAGGAAGAGGAAGAGGAGGAGGAGGAGGCAGCTCCTGATGTGATCTTTCAGGAAGACACC-3'